The following is an entry in ClinVar:

NM_004385.5(VCAN):c.2228T>C (p.Met743Thr)

Gene: VCAN (versican; plus strand). Cytogenetic location: 5q14.3.
Variant type: single nucleotide variant.
Coding change: c.2228T>C on transcript NM_004385.5 (MANE Select); coding-DNA position 2228, T replaced by C.
Protein change: p.Met743Thr; replaces methionine 743 with threonine.
Molecular consequence: missense variant. On other transcripts: intron variant (2).
Genome position (GRCh38, 1-based): chr5:83,520,534, T>C. VCF-style: chr5-83520534-T-C. GRCh37 (hg19) VCF-style: chr5-82816353-T-C.
Other names: c.2228T>C, p.Met743Thr (NM_001164098.2); c.1042+8138T>C (NM_001164097.2, NM_001126336.3); short protein forms M743T.
Identifiers: ClinVar variation 1383205 (VCV001383205.6), dbSNP rs2112409412, ClinGen allele CA360303476.
Genomic context (GRCh38, chr5:83,520,534, plus strand): 5'-GGATGAAACTCTCTACATCTCTCTCAGAGCCAATTCATGTTACAGAGTCTTCTGTGGAAA[T>C]GACCAAGTCTTTTGATTTCCCAACATTGATAACAAAGTTAAGTGCAGAGCCAACAGAAGT-3'
Protein context (NP_004376.2, residues 733-753): PIHVTESSVE[Met743Thr]TKSFDFPTLI

ClinVar aggregate classification (germline): Uncertain significance (1 of 4 stars; one submission).

Allele frequency attached by ClinVar (database versions not stated): gnomAD exomes below 0.00001.
gnomAD v4.1: 2 of 1,614,006 alleles (0.00012%); highest among the groups gnomAD compares: Non-Finnish European, 0.00017%; no homozygotes.

Submission:

Labcorp Genetics (formerly Invitae), Labcorp
Classification: Uncertain significance. Last evaluated: 2024-11-16. Review status: criteria provided, single submitter. Criteria: Invitae Variant Classification Sherloc (09022015). Collection method: clinical testing. Allele origin: germline.
Comment: This sequence change replaces methionine, which is neutral and non-polar, with threonine, which is neutral and polar, at codon 743 of the VCAN protein (p.Met743Thr). This variant is not present in population databases (gnomAD no frequency). This variant has not been reported in the literature in individuals affected with VCAN-related conditions. ClinVar contains an entry for this variant (Variation ID: 1383205). An algorithm developed to predict the effect of missense changes on protein structure and function outputs the following: PolyPhen-2: "Benign". The threonine amino acid residue is found in multiple mammalian species, which suggests that this missense change does not adversely affect protein function. In summary, the available evidence is currently insufficient to determine the role of this variant in disease. Therefore, it has been classified as a Variant of Uncertain Significance.